The following is an entry in ClinVar:

ClinVar aggregate classification (germline): Benign. Review status: criteria provided, multiple submitters, no conflicts (2 of 4 stars). 5 submissions from 5 submitters: Benign (5). Last evaluated 2026-02-01.

Allele frequency attached by ClinVar (database versions not stated): gnomAD 0.14718 and 0.15124; 1000 Genomes Project 0.12360; TOPMed 0.15267; ESP Exome Variant Server 0.15816; 1000 Genomes Project 30x 0.12898.
gnomAD v4.1: 201,374 of 1,611,956 alleles (12%); highest among the groups gnomAD compares: African/African-American, 23%; 13,709 homozygotes.

Submissions (5):

Labcorp Genetics (formerly Invitae), Labcorp
Classification: Benign. Last evaluated: 2026-02-01. Review status: criteria provided, single submitter. Criteria: Invitae Variant Classification Sherloc (09022015). Collection method: clinical testing. Allele origin: germline.

Blueprint Genetics
Classification: Benign. Last evaluated: 2024-11-26. Review status: criteria provided, single submitter. Criteria: ACMG Guidelines, 2015. Collection method: clinical testing. Allele origin: germline.

Mayo Clinic Laboratories, Mayo Clinic
Classification: Benign. Last evaluated: 2022-10-27. Review status: criteria provided, single submitter. Criteria: ACMG Guidelines, 2015. Collection method: clinical testing. Allele origin: germline. Observed: 70 variant alleles.

GeneDx
Classification: Benign. Last evaluated: 2013-09-17. Review status: criteria provided, single submitter. Criteria: GeneDx Variant Classification (06012015). Collection method: clinical testing. Allele origin: germline. Affected: yes.
Comment: This variant is considered likely benign or benign based on one or more of the following criteria: it is a conservative change, it occurs at a poorly conserved position in the protein, it is predicted to be benign by multiple in silico algorithms, and/or has population frequency not consistent with disease.

Breakthrough Genomics
Classification: Benign. Review status: criteria provided, single submitter. Criteria: ACMG Guidelines, 2015. Collection method: not provided. Allele origin: germline. Inheritance: Autosomal recessive inheritance. Affected: yes.

NM_032380.5(GFM2):c.2321G>A (p.Arg774Gln)

Gene: GFM2 (GTP dependent ribosome recycling factor mitochondrial GFM2; minus strand). Cytogenetic location: 5q13.3.
Variant type: single nucleotide variant.
Coding change: c.2321G>A on transcript NM_032380.5 (MANE Select); coding-DNA position 2321, G replaced by A.
Protein change: p.Arg774Gln; replaces arginine 774 with glutamine.
Molecular consequence: missense variant. On other transcripts: non-coding transcript variant (1).
Genome position (GRCh38, 1-based): chr5:74,721,674, C>T on the plus strand (G>A on the coding strand, the complement: GFM2 is on the minus strand). VCF-style: chr5-74721674-C-T. GRCh37 (hg19) VCF-style: chr5-74017499-C-T.
Other names: p.R774Q:CGG>CAG; c.2417G>A, p.Arg806Gln (NM_001281302.2); c.2180G>A, p.Arg727Gln (NM_170691.3); short protein forms R774Q, R806Q, R727Q.
Identifiers: ClinVar variation 137480 (VCV000137480.13), dbSNP rs1048167, ClinGen allele CA291087.